The following is an entry in ClinVar:

NM_139057.4(ADAMTS17):c.1868T>C (p.Leu623Pro)

Gene: ADAMTS17 (ADAM metallopeptidase with thrombospondin type 1 motif 17; minus strand). Cytogenetic location: 15q26.3.
Variant type: single nucleotide variant.
Coding change: c.1868T>C on transcript NM_139057.4 (MANE Select); coding-DNA position 1868, T replaced by C.
Protein change: p.Leu623Pro; replaces leucine 623 with proline.
Molecular consequence: missense variant.
Genome position (GRCh38, 1-based): chr15:100,116,867, A>G on the plus strand (T>C on the coding strand, the complement: ADAMTS17 is on the minus strand). VCF-style: chr15-100116867-A-G. GRCh37 (hg19) VCF-style: chr15-100657072-A-G.
Other names: short protein forms L623P.
Identifiers: ClinVar variation 487472 (VCV000487472.6), dbSNP rs200371613, ClinGen allele CA7758034.

ClinVar aggregate classification (germline): Uncertain significance. Review status: criteria provided, multiple submitters, no conflicts (2 of 4 stars). 2 submissions from 2 submitters: Uncertain significance (2). Last evaluated 2022-08-07.

Conditions:
Weill-Marchesani 4 syndrome, recessive. Also called: Weill-Marchesani syndrome 4. Identifiers: Orphanet 363992, MedGen C2750787, MONDO:0013176, OMIM 613195.

Allele frequency attached by ClinVar (database versions not stated): TOPMed 0.00002; gnomAD exomes 0.00004 and 0.00019; ExAC 0.00019; 1000 Genomes Project 0.00020; 1000 Genomes Project 30x 0.00031.
gnomAD v4.1: 58 of 1,614,182 alleles (0.0036%); highest among the groups gnomAD compares: Admixed American, 0.097%; no homozygotes.

Submissions (2):

Labcorp Genetics (formerly Invitae), Labcorp
Classification: Uncertain significance. Last evaluated: 2022-08-07. Review status: criteria provided, single submitter. Criteria: Invitae Variant Classification Sherloc (09022015). Collection method: clinical testing. Allele origin: germline.
Comment: This sequence change replaces leucine, which is neutral and non-polar, with proline, which is neutral and non-polar, at codon 623 of the ADAMTS17 protein (p.Leu623Pro). This variant is present in population databases (rs200371613, gnomAD 0.1%). This variant has not been reported in the literature in individuals affected with ADAMTS17-related conditions. ClinVar contains an entry for this variant (Variation ID: 487472). Algorithms developed to predict the effect of missense changes on protein structure and function are either unavailable or do not agree on the potential impact of this missense change (SIFT: "Not Available"; PolyPhen-2: "Possibly Damaging"; Align-GVGD: "Not Available"). In summary, the available evidence is currently insufficient to determine the role of this variant in disease. Therefore, it has been classified as a Variant of Uncertain Significance.

Center for Genomics, Ann and Robert H. Lurie Children's Hospital of Chicago
Classification: Uncertain significance for Weill-Marchesani 4 syndrome, recessive. Last evaluated: 2021-12-22. Review status: criteria provided, single submitter. Criteria: ACMG Guidelines, 2015. Collection method: clinical testing. Allele origin: germline.
Comment: ADAMTS17 NM_139057 exon 13 p.Leu623Pro (c.1868T>C): This variant has not been previously reported in the literature but has been identified in 46/33582 Latino chromosomes in the Genome Aggregation Database. Evolutionary conservation and computational predictive tools for this variant are unclear. In summary, data on this variant is insufficient for disease classification. Therefore, the clinical significance of this variant is uncertain.